The following is an entry in ClinVar:

NM_020919.4(ALS2):c.4858G>A (p.Glu1620Lys)

Gene: ALS2 (alsin Rho guanine nucleotide exchange factor ALS2; minus strand). Cytogenetic location: 2q33.1.
Variant type: single nucleotide variant.
Coding change: c.4858G>A on transcript NM_020919.4 (MANE Select); coding-DNA position 4858, G replaced by A.
Protein change: p.Glu1620Lys; replaces glutamic acid 1620 with lysine.
Molecular consequence: missense variant.
Genome position (GRCh38, 1-based): chr2:201,704,199, C>T on the plus strand (G>A on the coding strand, the complement: ALS2 is on the minus strand). VCF-style: chr2-201704199-C-T. GRCh37 (hg19) VCF-style: chr2-202568922-C-T.
Other names: short protein forms E1620K.
Identifiers: ClinVar variation 571279 (VCV000571279.8), dbSNP rs1559027755, ClinGen allele CA350320454.
Genomic context (GRCh38, chr2:201,704,199, plus strand): 5'-TTATACCCTGTTCCCCATGCTGAAGATAGGGGTCCATTAGATCCTCAATGAGGTGTACCT[C>T]AGAGCCTAAATTCCTAATCCTGCCCCAGAGAGAAAAAGATGCTGAGTTATTTTCACTTAC-3'
Protein context (NP_065970.2, residues 1610-1630): LRARIRNLGS[Glu1620Lys]VHLIEDLMDP

ClinVar aggregate classification (germline): Uncertain significance (1 of 4 stars; one submission).

Conditions:
Infantile-onset ascending hereditary spastic paralysis (IAHSP). Also called: Autosomal Recessive Juvenile Amyotrophic Lateral Sclerosis; Infantile-Onset Ascending Hereditary Spastic Paralysis (IAHSP). Identifiers: Orphanet 293168, MedGen C2931441, MONDO:0011797, OMIM 607225. Disease mechanism: loss of function.

Allele frequency attached by ClinVar (database versions not stated): gnomAD exomes below 0.00001.
gnomAD v4.1: 2 of 1,614,084 alleles (0.00012%); highest among the groups gnomAD compares: Non-Finnish European, 0.00017%; no homozygotes.

Submission:

Labcorp Genetics (formerly Invitae), Labcorp
Classification: Uncertain significance for Infantile-onset ascending hereditary spastic paralysis. Last evaluated: 2018-10-22. Review status: criteria provided, single submitter. Criteria: Invitae Variant Classification Sherloc (09022015). Collection method: clinical testing. Allele origin: germline.
Comment: Algorithms developed to predict the effect of missense changes on protein structure and function are either unavailable or do not agree on the potential impact of this missense change (SIFT: "Deleterious"; PolyPhen-2: "Probably Damaging"; Align-GVGD: "Class C0"). This sequence change replaces glutamic acid with lysine at codon 1620 of the ALS2 protein (p.Glu1620Lys). The glutamic acid residue is highly conserved and there is a small physicochemical difference between glutamic acid and lysine. This variant is not present in population databases (ExAC no frequency). This variant has not been reported in the literature in individuals with ALS2-related disease. In summary, the available evidence is currently insufficient to determine the role of this variant in disease. Therefore, it has been classified as a Variant of Uncertain Significance.